The following is an entry in ClinVar:

ClinVar aggregate classification (germline): Uncertain significance. Review status: criteria provided, multiple submitters, no conflicts (2 of 4 stars). 3 submissions from 3 submitters: Uncertain significance (3). Last evaluated 2026-04-21.

Conditions:
Peroxisome biogenesis disorder 3A (Zellweger). Also called: Peroxisome biogenesis disorder 3A; PEROXISOMAL BIOGENESIS DISORDER 3A (ZELLWEGER). Identifiers: Orphanet 912, MedGen C3553929, MONDO:0013927, OMIM 614859.
PEX12-related disorder. Also called: PEX12-related disorders; PEX12-related condition.

Allele frequency attached by ClinVar (database versions not stated): ExAC 0.00002; gnomAD exomes 0.00002; TOPMed 0.00003; gnomAD 0.00005 and 0.00006.
gnomAD v4.1: 14 of 1,614,008 alleles (0.00087%); highest among the groups gnomAD compares: African/African-American, 0.017%; no homozygotes.

Submissions (3):

PreventionGenetics, part of Exact Sciences
Classification: Uncertain significance for PEX12-related condition. Last evaluated: 2026-04-21. Review status: criteria provided, single submitter. Criteria: ACMG Guidelines, 2015. Collection method: clinical testing. Allele origin: germline.
Comment: The PEX12 c.763G>A variant is predicted to result in the amino acid substitution p.Val255Ile. To our knowledge, this variant has not been reported in the literature. This variant is reported in 0.024% of alleles in individuals of African descent in gnomAD. At this time, the clinical significance of this variant is uncertain due to the absence of conclusive functional and genetic evidence.

Labcorp Genetics (formerly Invitae), Labcorp
Classification: Uncertain significance for Peroxisome biogenesis disorder 3A (Zellweger). Last evaluated: 2022-02-04. Review status: criteria provided, single submitter. Criteria: Invitae Variant Classification Sherloc (09022015). Collection method: clinical testing. Allele origin: germline.
Comment: This sequence change replaces valine, which is neutral and non-polar, with isoleucine, which is neutral and non-polar, at codon 255 of the PEX12 protein (p.Val255Ile). This variant is present in population databases (rs746089337, gnomAD 0.02%). This variant has not been reported in the literature in individuals affected with PEX12-related conditions. ClinVar contains an entry for this variant (Variation ID: 289550). Algorithms developed to predict the effect of missense changes on protein structure and function are either unavailable or do not agree on the potential impact of this missense change (SIFT: "Tolerated"; PolyPhen-2: "Probably Damaging"; Align-GVGD: "Class C0"). In summary, the available evidence is currently insufficient to determine the role of this variant in disease. Therefore, it has been classified as a Variant of Uncertain Significance.

Eurofins Ntd Llc (ga)
Classification: Uncertain significance. Last evaluated: 2016-07-14. Review status: criteria provided, single submitter. Criteria: EGL Classification Definitions 2015. Collection method: clinical testing. Allele origin: germline. Observed: 1 variant allele, 1 heterozygote.

NM_000286.3(PEX12):c.763G>A (p.Val255Ile)

Gene: PEX12 (peroxisomal biogenesis factor 12; minus strand). Cytogenetic location: 17q12.
Variant type: single nucleotide variant.
Coding change: c.763G>A on transcript NM_000286.3 (MANE Select); coding-DNA position 763, G replaced by A.
Protein change: p.Val255Ile; replaces valine 255 with isoleucine.
Molecular consequence: missense variant.
Genome position (GRCh38, 1-based): chr17:35,576,099, C>T on the plus strand (G>A on the coding strand, the complement: PEX12 is on the minus strand). VCF-style: chr17-35576099-C-T. GRCh37 (hg19) VCF-style: chr17-33903118-C-T.
Other names: c.763G>A (NM_000286.2); short protein forms V255I.
Identifiers: ClinVar variation 289550 (VCV000289550.8), dbSNP rs746089337, ClinGen allele CA8504844.